The following is an entry in ClinVar:

NM_000368.5(TSC1):c.2099A>G (p.Asn700Ser)

Gene: TSC1 (TSC complex subunit 1; minus strand). Cytogenetic location: 9q34.13.
Variant type: single nucleotide variant.
Coding change: c.2099A>G on transcript NM_000368.5 (MANE Select); coding-DNA position 2099, A replaced by G.
Protein change: p.Asn700Ser; replaces asparagine 700 with serine.
Molecular consequence: missense variant.
Genome position (GRCh38, 1-based): chr9:132,903,760, T>C on the plus strand (A>G on the coding strand, the complement: TSC1 is on the minus strand). VCF-style: chr9-132903760-T-C. GRCh37 (hg19) VCF-style: chr9-135779147-T-C.
Other names: c.2096A>G, p.Asn699Ser (NM_001162426.2); c.1946A>G, p.Asn649Ser (NM_001162427.2); c.1736A>G, p.Asn579Ser (NM_001362177.2); c.2099A>G (NM_000368.4); short protein forms N579S, N649S, N699S, N700S.
Identifiers: ClinVar variation 1005838 (VCV001005838.7), dbSNP rs1845504712, ClinGen allele CA375361057.
Genomic context (GRCh38, chr9:132,903,760, plus strand): 5'-AGGAGCCGCCTGTTCCGGAGGGCATGCTGCTGCCTCTTAAAACGCTCATAGAGTAACTGG[T>C]TGTGCAGTAAAAGCAACTGGTCTCGGAGGGTGCGGATCTCATCTGAAGGAGGAGAGCCTG-3'
Protein context (NP_000359.1, residues 690-710): TLRDQLLLLH[Asn700Ser]QLLYERFKRQ

ClinVar aggregate classification (germline): Uncertain significance. Review status: criteria provided, multiple submitters, no conflicts (2 of 4 stars). 2 submissions from 2 submitters: Uncertain significance (2). Last evaluated 2026-07-02.

Conditions:
Tuberous sclerosis 1 (TSC1). Identifiers: Orphanet 805, MedGen C1854465, MONDO:0008612, OMIM 191100.
Hereditary cancer-predisposing syndrome. Also called: Tumor predisposition; Hereditary Cancer Syndrome; Hereditary neoplastic syndrome; Neoplastic Syndromes, Hereditary. Identifiers: Orphanet 140162, MedGen C0027672, MeSH D009386, MONDO:0015356.

Submissions (2):

Ambry Genetics
Classification: Uncertain significance for Hereditary cancer-predisposing syndrome. Last evaluated: 2026-07-02. Review status: criteria provided, single submitter. Criteria: Ambry Variant Classification Scheme 2023. Collection method: clinical testing. Allele origin: germline.
Comment: The p.N700S variant (also known as c.2099A>G), located in coding exon 15 of the TSC1 gene, results from an A to G substitution at nucleotide position 2099. The asparagine at codon 700 is replaced by serine, an amino acid with highly similar properties. This amino acid position is conserved. In addition, the in silico prediction for this alteration is inconclusive. Based on the available evidence, the clinical significance of this variant remains unclear.

Labcorp Genetics (formerly Invitae), Labcorp
Classification: Uncertain significance for Tuberous sclerosis 1. Last evaluated: 2016-03-27. Review status: criteria provided, single submitter. Criteria: Invitae Variant Classification Sherloc (09022015). Collection method: clinical testing. Allele origin: germline.
Comment: This sequence change replaces asparagine with serine at codon 700 of the TSC1 protein (p.Asn700Ser). The asparagine residue is moderately conserved and there is a small physicochemical difference between asparagine and serine. In summary, this variant is a novel missense change with uncertain impact on protein function. It has been classified as a Variant of Uncertain Significance. This variant is not present in population databases (ExAC no frequency) and has not been reported in the literature in individuals with a TSC1-related disease. Algorithms developed to predict the effect of missense changes on protein structure and function do not agree on the potential impact of this missense change (SIFT: "Tolerated"; PolyPhen-2: "Possibly Damaging"; Align-GVGD: "Class C0"). Algorithms developed to predict the effect of sequence changes on mRNA splicing suggest that this variant may alter mRNA splicing, but this prediction has not been confirmed by published transcriptional studies.